The following is an entry in ClinVar:

ClinVar aggregate classification (germline): Uncertain significance (1 of 4 stars; one submission).

Conditions:
Cardiomyopathy (CMYO). Also called: Cardiomyopathies. Identifiers: Orphanet 167848, MedGen C0878544, MONDO:0004994, HP:0001638. Inheritance: Various modes of inheritance.

Submission:

Color Diagnostics, LLC DBA Color Health
Classification: Uncertain significance for Cardiomyopathy. Last evaluated: 2021-02-11. Review status: criteria provided, single submitter. Criteria: ACMG Guidelines, 2015. Collection method: clinical testing. Allele origin: germline.
Comment: This variant deletes 2 nucleotides in exon 13 of the DSC2 gene, creating a frameshift and premature translation stop signal. This variant is expected to result in an absent or non-functional protein product. To our knowledge, this variant has not been reported in individuals affected with cardiovascular disorders in the literature. This variant has not been identified in the general population by the Genome Aggregation Database (gnomAD). Although there is a suspicion for a pathogenic role, the clinical relevance of loss-of-function DSC2 truncation and splice variants in autosomal dominant arrhythmogenic cardiomyopathy is not yet clearly established. The available evidence is insufficient to determine the role of this variant in disease conclusively. Therefore, this variant is classified as a Variant of Uncertain Significance.

NM_024422.6(DSC2):c.1960_1961del (p.Arg653_Asp654insTer)

Gene: DSC2 (desmocollin 2; minus strand). Cytogenetic location: 18q12.1.
Variant type: Microsatellite.
Coding change: c.1960_1961del on transcript NM_024422.6 (MANE Select); coding-DNA positions 1960 to 1961, 2 bases deleted (GA; older notation c.1960_1961delGA).
Protein change: p.Arg653_Asp654insTer.
Molecular consequence: nonsense.
Genome position (GRCh38, 1-based): chr18:31,071,769-31,071,770, TC deleted on the plus strand (GA on the coding strand, the reverse complement: DSC2 is on the minus strand); deleting any 2 consecutive bases within chr18:31,071,769-31,071,774 gives the same sequence; the c. name uses the placement nearest the transcript's 3' end. VCF-style (leftmost placement, unchanged base first): chr18-31071768-ATC-A. GRCh37 (hg19) VCF-style: chr18-28651734-ATC-A.
Other names: c.1960_1961del, p.Arg653_Asp654insTer (NM_004949.5).
Identifiers: ClinVar variation 1331795 (VCV001331795.2), dbSNP rs2144791474, ClinGen allele CA2580612964.